The following is an entry in ClinVar:

NM_130849.4(SLC39A4):c.1012T>C (p.Cys338Arg)

Gene: SLC39A4 (solute carrier family 39 member 4; minus strand). Cytogenetic location: 8q24.3.
Variant type: single nucleotide variant.
Coding change: c.1012T>C on transcript NM_130849.4 (MANE Select); coding-DNA position 1012, T replaced by C.
Protein change: p.Cys338Arg; replaces cysteine 338 with arginine.
Molecular consequence: missense variant.
Genome position (GRCh38, 1-based): chr8:144,414,399, A>G on the plus strand (T>C on the coding strand, the complement: SLC39A4 is on the minus strand). VCF-style: chr8-144414399-A-G. GRCh37 (hg19) VCF-style: chr8-145639783-A-G.
Other names: c.1012T>C (NM_130849.2); c.730T>C, p.Cys244Arg (NM_001374839.1); c.937T>C, p.Cys313Arg (NM_017767.3); short protein forms C244R, C313R, C338R.
Identifiers: ClinVar variation 4537676 (VCV004537676.2).

ClinVar aggregate classification (germline): Uncertain significance. Review status: criteria provided, multiple submitters, no conflicts (2 of 4 stars). 2 submissions from 2 submitters: Uncertain significance (2). Last evaluated 2025-12-03.

Conditions:
Inborn genetic diseases. Identifiers: MedGen C0950123, MeSH D030342.

gnomAD v4.1: 64 of 1,570,980 alleles (0.0041%); highest among the groups gnomAD compares: Non-Finnish European, 0.0028%; no homozygotes.

Submissions (2):

Ambry Genetics
Classification: Uncertain significance for Inborn genetic diseases. Last evaluated: 2025-12-03. Review status: criteria provided, single submitter. Criteria: Ambry Variant Classification Scheme 2023. Collection method: clinical testing. Allele origin: germline.

GeneDx
Classification: Uncertain significance. Last evaluated: 2025-06-15. Review status: criteria provided, single submitter. Criteria: GeneDx Variant Classification Process June 2021. Collection method: clinical testing. Allele origin: germline. Affected: yes.
Comment: In silico analysis supports that this missense variant has a deleterious effect on protein structure/function; Has not been previously published as pathogenic or benign to our knowledge